The following is an entry in ClinVar:

NM_001369.3(DNAH5):c.8174C>G (p.Ser2725Cys)

Gene: DNAH5 (dynein axonemal heavy chain 5; minus strand). Cytogenetic location: 5p15.2.
Variant type: single nucleotide variant.
Coding change: c.8174C>G on transcript NM_001369.3 (MANE Select); coding-DNA position 8174, C replaced by G.
Protein change: p.Ser2725Cys; replaces serine 2725 with cysteine.
Molecular consequence: missense variant.
Genome position (GRCh38, 1-based): chr5:13,793,565, G>C on the plus strand (C>G on the coding strand, the complement: DNAH5 is on the minus strand). VCF-style: chr5-13793565-G-C. GRCh37 (hg19) VCF-style: chr5-13793674-G-C.
Other names: short protein forms S2725C.
Identifiers: ClinVar variation 1762292 (VCV001762292.5), dbSNP rs764288193, ClinGen allele CA3202882.

ClinVar aggregate classification (germline): Conflicting classifications of pathogenicity. Review status: criteria provided, conflicting classifications (1 of 4 stars). 2 submissions from 2 submitters: Uncertain significance (1); Benign (1). Last evaluated 2024-01-02.

Conditions:
Primary ciliary dyskinesia. Also called: Ciliary dyskinesia. Identifiers: Orphanet 244, MedGen C0008780, MONDO:0016575, HP:0012265.

Allele frequency attached by ClinVar (database versions not stated): gnomAD exomes 0.00002; ExAC 0.00003.
gnomAD v4.1: 29 of 1,614,066 alleles (0.0018%); highest among the groups gnomAD compares: South Asian, 0.03%; no homozygotes.

Submissions (2):

Labcorp Genetics (formerly Invitae), Labcorp
Classification: Benign for Primary ciliary dyskinesia. Last evaluated: 2024-01-02. Review status: criteria provided, single submitter. Criteria: Invitae Variant Classification Sherloc (09022015). Collection method: clinical testing. Allele origin: germline.

Ambry Genetics
Classification: Uncertain significance for Primary ciliary dyskinesia. Last evaluated: 2016-07-15. Review status: criteria provided, single submitter. Criteria: Ambry Variant Classification Scheme 2023. Collection method: clinical testing. Allele origin: germline.
Comment: The p.S2725C variant (also known as c.8174C>G), located in coding exon 49 of the DNAH5 gene, results from a C to G substitution at nucleotide position 8174. The serine at codon 2725 is replaced by cysteine, an amino acid with dissimilar properties. This variant was not reported in population based cohorts in the following databases: Database of Single Nucleotide Polymorphisms (dbSNP), NHLBI Exome Sequencing Project (ESP), and 1000 Genomes Project. In the ESP, this variant was not observed in 6503 samples (13006 alleles) with coverage at this position. This amino acid position is well conserved in available vertebrate species. In addition, this alteration is predicted to be tolerated by in silico analysis. Since supporting evidence is limited at this time, the clinical significance of this variant remains unclear.